The following is an entry in ClinVar:

ClinVar aggregate classification (germline): Uncertain significance (1 of 4 stars; one submission).

Submission:

Dasa
Classification: Uncertain significance. Last evaluated: 2025-12-27. Review status: criteria provided, single submitter. Criteria: DASA Assertion Criteria. Collection method: clinical testing. Allele origin: germline.
Comment: NM_001046.3(SLC12A2):c.449C>G (p.Ser150Trp) is a missense variant that results in the substitution of serine with tryptophan. This variant is rare in population databases. The currently available literature and clinical evidence are not sufficient to establish a definitive association between this variant and the reported condition. Therefore, this variant is classified as a variant of uncertain significance.

NM_001046.3(SLC12A2):c.449C>G (p.Ser150Trp)

Gene: SLC12A2 (solute carrier family 12 member 2; plus strand). Cytogenetic location: 5q23.3.
Variant type: single nucleotide variant.
Coding change: c.449C>G on transcript NM_001046.3 (MANE Select); coding-DNA position 449, C replaced by G.
Protein change: p.Ser150Trp; replaces serine 150 with tryptophan.
Molecular consequence: missense variant. On other transcripts: non-coding transcript variant (1).
Genome position (GRCh38, 1-based): chr5:128,084,403, C>G. VCF-style: chr5-128084403-C-G. GRCh37 (hg19) VCF-style: chr5-127420095-C-G.
Other names: c.449C>G, p.Ser150Trp (NM_001256461.2); short protein forms S150W.
Identifiers: ClinVar variation 4881053 (VCV004881053.2).